The following is an entry in ClinVar:

NM_004548.3(NDUFB10):c.401_409+10del

Genes: NDUFB10 (NADH:ubiquinone oxidoreductase subunit B10; plus strand), LOC130058198 (ATAC-STARR-seq lymphoblastoid active region 10241; plus strand). Cytogenetic location: 16p13.3.
Variant type: Deletion.
Coding change: c.401_409+10del on transcript NM_004548.3 (MANE Select); coding-DNA position 401 through 10 bases into the intron after coding-DNA position 409, 19 bases deleted (AGGACCGCTGTGCGTGCCC).
Molecular consequence: splice donor variant.
Genome position (GRCh38, 1-based): chr16:1,961,628-1,961,646, AGGACCGCTGTGCGTGCCC deleted; deleting any 19 consecutive bases within chr16:1,961,626-1,961,646 gives the same sequence; the c. name uses the placement nearest the transcript's 3' end. VCF-style (leftmost placement, unchanged base first): chr16-1961625-ACCAGGACCGCTGTGCGTGC-A. GRCh37 (hg19) VCF-style: chr16-2011626-ACCAGGACCGCTGTGCGTGC-A.
Identifiers: ClinVar variation 2419459 (VCV002419459.7), dbSNP rs771471473, ClinGen allele CA7823358.

ClinVar aggregate classification (germline): Uncertain significance (1 of 4 stars; one submission).

Submission:

Labcorp Genetics (formerly Invitae), Labcorp
Classification: Uncertain significance. Last evaluated: 2024-04-08. Review status: criteria provided, single submitter. Criteria: Invitae Variant Classification Sherloc (09022015). Collection method: clinical testing. Allele origin: germline.
Comment: This variant results in the deletion of part of exon 3 of the NDUFB10 gene. It affects a nucleotide within the consensus splice site. This variant is present in population databases (rs771471473, gnomAD 0.009%). This variant has not been reported in the literature in individuals affected with NDUFB10-related conditions. ClinVar contains an entry for this variant (Variation ID: 2419459). Variants that disrupt the consensus splice site are a relatively common cause of aberrant splicing (PMID: 17576681, 9536098). In summary, the available evidence is currently insufficient to determine the role of this variant in disease. Therefore, it has been classified as a Variant of Uncertain Significance.

Literature cited by the submitters: PubMed 17576681; PubMed 9536098.